The following is an entry in ClinVar:

ClinVar aggregate classification (germline): Pathogenic (1 of 4 stars; one submission).

Conditions:
Tuberous sclerosis 2 (TSC2). Identifiers: Orphanet 805, MedGen C1860707, MONDO:0013199, OMIM 613254.

Submission:

Neurology Institute, Anhui University of Chinese Medicine
Classification: Pathogenic for Tuberous sclerosis 2. Last evaluated: 2026-09-16. Review status: criteria provided, single submitter. Criteria: ACMG Guidelines, 2015. Collection method: clinical testing. Allele origin: de novo. Inheritance: Autosomal dominant inheritance. Affected: yes. Observed: 1 variant allele, 1 heterozygote.
Comment: PVS1: Frameshift variant predicted to cause loss of function. PP4: Phenotype highly specific for Tuberous Sclerosis Complex.

NM_000548.5(TSC2):c.2816dup (p.Ser939fs)

Gene: TSC2 (TSC complex subunit 2; plus strand). Cytogenetic location: 16p13.3.
Variant type: Duplication.
Coding change: c.2816dup on transcript NM_000548.5 (MANE Select); coding-DNA position 2816, one base duplicated (G; older notation c.2816dupG).
Protein change: p.Ser939fs; shifts the reading frame from serine 939.
Molecular consequence: frameshift variant. On other transcripts: non-coding transcript variant (5).
Genome position (GRCh38, 1-based): chr16:2,076,564, G duplicated. VCF-style (leftmost placement, unchanged base first): chr16-2076563-A-AG. GRCh37 (hg19) VCF-style: chr16-2126564-A-AG.
Other names: p.Ser939ArgfsTer21; c.1472dup, p.Ser491fs (NM_001406690.1, NM_001406691.1, NM_001406692.1 and 6 more transcripts); c.1214dup, p.Ser405fs (NM_001406698.1); c.2216dup, p.Ser739fs (NM_001406680.1, NM_001406682.1, NM_001406683.1 and 6 more transcripts); c.2354dup, p.Ser785fs (NM_001406681.1); c.2804dup, p.Ser935fs (NM_001406671.1, NM_001406673.1); c.2669dup, p.Ser890fs (NM_001406675.1, NM_001406676.1, NM_001406679.1 and 1 more transcripts); c.2759dup, p.Ser920fs (NM_001406677.1); and 4 more; short protein forms S405fs, S491fs, S739fs, S785fs, S890fs, S902fs, S920fs, S935fs.
Identifiers: ClinVar variation 5018490 (VCV005018490.1).
Genomic context (GRCh38, chr16:2,076,563, plus strand): 5'-AATGTCCTCTTGTCTTTTGATGACACCCCCGAGAAGGACAGCTTCAGGGCCCGGAGTACT[A>AG]GTCTCAACGAGAGACCCAAGAGGTACGGCCTGCGGGGGTGTGCCTGGAGTCGGTGTGGGG-3'